The following is an entry in ClinVar:

ClinVar aggregate classification (germline): Conflicting classifications of pathogenicity. Review status: criteria provided, conflicting classifications (1 of 4 stars). 2 submissions from 2 submitters: Uncertain significance (1); Likely benign (1). Last evaluated 2025-07-30.

Conditions:
Inborn genetic diseases. Identifiers: MedGen C0950123, MeSH D030342.

Allele frequency attached by ClinVar (database versions not stated): gnomAD exomes 0.00006 and 0.00011; ExAC 0.00007; TOPMed 0.00007; ESP Exome Variant Server 0.00008; gnomAD 0.00011.
gnomAD v4.1: 116 of 1,603,074 alleles (0.0072%); highest among the groups gnomAD compares: Middle Eastern, 0.033%; no homozygotes.

Submissions (2):

Labcorp Genetics (formerly Invitae), Labcorp
Classification: Uncertain significance. Last evaluated: 2025-07-30. Review status: criteria provided, single submitter. Criteria: Invitae Variant Classification Sherloc (09022015). Collection method: clinical testing. Allele origin: germline.
Comment: This sequence change replaces arginine, which is basic and polar, with histidine, which is basic and polar, at codon 1486 of the TUBGCP6 protein (p.Arg1486His). This variant is present in population databases (rs140730243, gnomAD 0.2%). This variant has not been reported in the literature in individuals affected with TUBGCP6-related conditions. ClinVar contains an entry for this variant (Variation ID: 1018272). An algorithm developed to predict the effect of missense changes on protein structure and function outputs the following: PolyPhen-2: "Benign". The histidine amino acid residue is found in multiple mammalian species, which suggests that this missense change does not adversely affect protein function. In summary, the available evidence is currently insufficient to determine the role of this variant in disease. Therefore, it has been classified as a Variant of Uncertain Significance.

Ambry Genetics
Classification: Likely benign for Inborn genetic diseases. Last evaluated: 2022-10-27. Review status: criteria provided, single submitter. Criteria: Ambry Variant Classification Scheme 2023. Collection method: clinical testing. Allele origin: germline.

NM_020461.4(TUBGCP6):c.4457G>A (p.Arg1486His)

Gene: TUBGCP6 (tubulin gamma complex component 6; minus strand). Cytogenetic location: 22q13.33.
Variant type: single nucleotide variant.
Coding change: c.4457G>A on transcript NM_020461.4 (MANE Select); coding-DNA position 4457, G replaced by A.
Protein change: p.Arg1486His; replaces arginine 1486 with histidine.
Molecular consequence: missense variant.
Genome position (GRCh38, 1-based): chr22:50,219,315, C>T on the plus strand (G>A on the coding strand, the complement: TUBGCP6 is on the minus strand). VCF-style: chr22-50219315-C-T. GRCh37 (hg19) VCF-style: chr22-50657744-C-T.
Other names: c.4457G>A (NM_020461.3); short protein forms R1486H.
Identifiers: ClinVar variation 1018272 (VCV001018272.6), dbSNP rs140730243, ClinGen allele CA10307506.
Genomic context (GRCh38, chr22:50,219,315, plus strand): 5'-TGGGCAGACTGGCGCAGGGGCAGGGGCACTCACTGGGCGGCCAGCGGTGCCGTGATGGAG[C>T]GCTTCATGAGCACGGGCAGCGTCAGCAACTCGCTCAGCTGCACAGCAGTCTCATCAGCGG-3'
Protein context (NP_065194.3, residues 1476-1496): ELLTLPVLMK[Arg1486His]SITAPLAAHI